The following is an entry in ClinVar:

NM_000191.3(HMGCL):c.428T>C (p.Ile143Thr)

Gene: HMGCL (3-hydroxy-3-methylglutaryl-CoA lyase; minus strand). Cytogenetic location: 1p36.11.
Variant type: single nucleotide variant.
Coding change: c.428T>C on transcript NM_000191.3 (MANE Select); coding-DNA position 428, T replaced by C.
Protein change: p.Ile143Thr; replaces isoleucine 143 with threonine.
Molecular consequence: missense variant. On other transcripts: intron variant (1).
Genome position (GRCh38, 1-based): chr1:23,814,259, A>G on the plus strand (T>C on the coding strand, the complement: HMGCL is on the minus strand). VCF-style: chr1-23814259-A-G. GRCh37 (hg19) VCF-style: chr1-24140749-A-G.
Other names: c.348+2416T>C (NM_001166059.2); short protein forms I143T.
Identifiers: ClinVar variation 2432488 (VCV002432488.4), dbSNP rs933261021, ClinGen allele CA19295741.

ClinVar aggregate classification (germline): Uncertain significance. Review status: criteria provided, multiple submitters, no conflicts (2 of 4 stars). 2 submissions from 2 submitters: Uncertain significance (2). Last evaluated 2024-06-03.

Conditions:
Deficiency of hydroxymethylglutaryl-CoA lyase (HMGCLD). Also called: HMGCL DEFICIENCY; HYDROXYMETHYLGLUTARIC ACIDURIA; HMG-CoA LYASE DEFICIENCY; Defect in leucine metabolism; 3-hydroxy-3-methylglutaric aciduria. Identifiers: Orphanet 20, MedGen C1533587, MONDO:0009520, OMIM 246450.

Allele frequency attached by ClinVar (database versions not stated): gnomAD 0.00001; TOPMed 0.00002; gnomAD exomes 0.00003.
gnomAD v4.1: 43 of 1,613,998 alleles (0.0027%); highest among the groups gnomAD compares: Non-Finnish European, 0.0034%; no homozygotes.

Submissions (2):

GeneDx
Classification: Uncertain significance. Last evaluated: 2024-06-03. Review status: criteria provided, single submitter. Criteria: GeneDx Variant Classification Process June 2021. Collection method: clinical testing. Allele origin: germline. Affected: yes.
Comment: Not observed at significant frequency in large population cohorts (gnomAD); In silico analysis supports that this missense variant has a deleterious effect on protein structure/function; Has not been previously published as pathogenic or benign to our knowledge

Revvity Omics, Revvity
Classification: Uncertain significance for Deficiency of hydroxymethylglutaryl-CoA lyase. Last evaluated: 2019-01-31. Review status: criteria provided, single submitter. Criteria: ACMG Guidelines, 2015. Collection method: clinical testing. Allele origin: germline.